The following is an entry in ClinVar:

NM_007294.4(BRCA1):c.4933A>G (p.Arg1645Gly)

Gene: BRCA1 (BRCA1 DNA repair associated; minus strand). Cytogenetic location: 17q21.31.
Variant type: single nucleotide variant.
Coding change: c.4933A>G on transcript NM_007294.4 (MANE Select); coding-DNA position 4933, A replaced by G.
Protein change: p.Arg1645Gly; replaces arginine 1645 with glycine.
Molecular consequence: missense variant. On other transcripts: non-coding transcript variant (1).
Genome position (GRCh38, 1-based): chr17:43,070,981, T>C on the plus strand (A>G on the coding strand, the complement: BRCA1 is on the minus strand). VCF-style: chr17-43070981-T-C. GRCh37 (hg19) VCF-style: chr17-41222998-T-C.
Other names: c.4933A>G, p.Arg1645Gly (NM_001407605.1, NM_001407652.1, NM_001407593.1 and 8 more transcripts); c.4930A>G, p.Arg1644Gly (NM_001407610.1, NM_001407611.1, NM_001407612.1 and 17 more transcripts); c.4876A>G, p.Arg1626Gly (NM_001407648.1); c.4873A>G, p.Arg1625Gly (NM_001407649.1); c.4855A>G, p.Arg1619Gly (NM_001407653.1, NM_001407654.1, NM_001407655.1); c.4852A>G, p.Arg1618Gly (NM_001407656.1, NM_001407657.1, NM_001407658.1); c.4849A>G, p.Arg1617Gly (NM_001407659.1, NM_001407660.1, NM_001407661.1 and 2 more transcripts); c.4810A>G, p.Arg1604Gly (NM_001407669.1, NM_001407664.1, NM_001407665.1 and 6 more transcripts); and 70 more; short protein forms R1645G, R541G, R1598G, R1666G, R1517G, R1532G, R1556G, R1557G.
Identifiers: ClinVar variation 55319 (VCV000055319.15), dbSNP rs80356926, ClinGen allele CA003084.
Genomic context (GRCh38, chr17:43,070,981, plus strand): 5'-CACTCACAAATTCTTCTGGGGTCAGGCCAGACACCACCATGGACATTCTTTTGTTGACCC[T>C]TTCTGTTGAAGCTGTCAATTCTGGCTTCTCCCTGCTCACACTTTCTTCCATTGCATTATA-3'
Protein context (NP_009225.1, residues 1635-1655): EKPELTASTE[Arg1645Gly]VNKRMSMVVS

ClinVar aggregate classification (germline): Conflicting classifications of pathogenicity. Review status: criteria provided, conflicting classifications (1 of 4 stars). 5 submissions from 5 submitters: Uncertain significance (3); Likely benign (1). 1 of the submissions does not count toward it. Last evaluated 2025-02-19.

Conditions:
Breast-ovarian cancer, familial, susceptibility to, 1 (BROVCA1). Also called: BRCA1 Hereditary Breast and Ovarian Cancer; OVARIAN CANCER, SUSCEPTIBILITY TO. Identifiers: Orphanet 145, MedGen C2676676, MONDO:0011450, OMIM 604370. Disease mechanism: loss of function.
Hereditary cancer-predisposing syndrome. Also called: Hereditary Cancer Syndrome; Hereditary neoplastic syndrome; Neoplastic Syndromes, Hereditary; Tumor predisposition. Identifiers: Orphanet 140162, MedGen C0027672, MeSH D009386, MONDO:0015356.
Hereditary breast ovarian cancer syndrome. Also called: BRCA1- and BRCA2-Associated Hereditary Breast and Ovarian Cancer; Hereditary breast and ovarian cancer syndrome; Hereditary breast and ovarian cancer syndrome (HBOC); Breast and ovarian cancer; Hereditary breast and/or ovarian cancer syndrome; Hereditary breast and ovarian cancer. Identifiers: Orphanet 145, MedGen C0677776, MeSH D061325, MONDO:0003582. Disease mechanism: loss of function.

Submissions (6):

Labcorp Genetics (formerly Invitae), Labcorp
Classification: Uncertain significance for Hereditary breast ovarian cancer syndrome. Last evaluated: 2025-02-19. Review status: criteria provided, single submitter. Criteria: Invitae Variant Classification Sherloc (09022015). Collection method: clinical testing. Allele origin: germline.
Comment: This sequence change replaces arginine, which is basic and polar, with glycine, which is neutral and non-polar, at codon 1645 of the BRCA1 protein (p.Arg1645Gly). This variant is not present in population databases (gnomAD no frequency). This variant has not been reported in the literature in individuals affected with BRCA1-related conditions. ClinVar contains an entry for this variant (Variation ID: 55319). Invitae Evidence Modeling incorporating data from in vitro experimental studies (PMID: 30209399) indicates that this missense variant is not expected to disrupt BRCA1 function with a negative predictive value of 95%. Experimental studies have shown that this missense change does not substantially affect BRCA1 function (PMID: 30209399, 30765603). In summary, the available evidence is currently insufficient to determine the role of this variant in disease. Therefore, it has been classified as a Variant of Uncertain Significance.

Color Diagnostics, LLC DBA Color Health
Classification: Uncertain significance for Hereditary cancer-predisposing syndrome. Last evaluated: 2024-05-23. Review status: criteria provided, single submitter. Criteria: ACMG Guidelines, 2015. Collection method: clinical testing. Allele origin: germline.
Comment: This missense variant replaces arginine with glycine at codon 1645 of the BRCA1 protein. Computational prediction is inconclusive regarding the impact of this variant on protein structure and function. A functional study reported that this variant does not impact BRCA1 function in a haploid human cell proliferation assay (PMID: 30209399). A multifactorial analysis reported likelihood ratios for pathogenicity based on co-occurrence with a pathogenic variant and family history of 1.0331 and 0.7797, respectively (PMID: 31131967). This variant has not been identified in the general population by the Genome Aggregation Database (gnomAD). The available evidence is insufficient to determine the role of this variant in disease conclusively. Therefore, this variant is classified as a Variant of Uncertain Significance.

All of Us Research Program, National Institutes of Health
Classification: Uncertain significance for Breast-ovarian cancer, familial, susceptibility to, 1. Last evaluated: 2023-12-01. Review status: criteria provided, single submitter. Criteria: ACMG Guidelines, 2015. Collection method: clinical testing. Allele origin: germline. Inheritance: Autosomal dominant inheritance. Observed: 1 variant allele, 1 heterozygote.
Comment: This study involves interpretation of variants in research participants for the purpose of population health screening. Participant phenotype was not available at the time of variant classification. Additional details can be found in publication PMID: 35346344, PMCID: PMC8962531

Ambry Genetics
Classification: Likely benign for Hereditary cancer-predisposing syndrome. Last evaluated: 2022-04-18. Review status: criteria provided, single submitter. Criteria: Ambry Variant Classification Scheme 2023. Collection method: clinical testing. Allele origin: germline.

Breast Cancer Information Core (BIC) (BRCA1)
Classification: Uncertain significance for Breast-ovarian cancer, familial 1. Last evaluated: 2003-12-23. Review status: no assertion criteria provided. Collection method: clinical testing. Allele origin: germline. Affected: yes. Observed: 1 variant allele. Not counted in ClinVar's aggregate classification.

Brotman Baty Institute, University of Washington
No classification provided (evidence only). Condition: Breast-ovarian cancer, familial 1. Review status: no classification provided. Collection method: in vitro. Allele origin: not applicable. Functional consequence: functionally_normal. Not counted in ClinVar's aggregate classification.
ClinVar note: "not provided" was previously submitted as the classification for the variant. However, the classification appeared to be based only on an observation of functional data so it was converted to no classification on 2025-07-30.

Literature cited by the submitters: PubMed 30209399 (cited by 3 submitters); PubMed 30765603 (cited by Labcorp Genetics (formerly Invitae), Labcorp); PubMed 31131967 (cited by Color Diagnostics, LLC DBA Color Health).